The following is an entry in ClinVar:

ClinVar aggregate classification (germline): Pathogenic/Likely pathogenic. Review status: criteria provided, multiple submitters, no conflicts (2 of 4 stars). 5 submissions from 5 submitters: Pathogenic (3); Likely pathogenic (1). 1 of the submissions does not count toward it. Last evaluated 2025-12-03.

Conditions:
ENG-related disorder. Also called: ENG-related condition; ENG-related disorders.
Hereditary hemorrhagic telangiectasia (HHT). Also called: Osler hemorrhagic telangiectasia syndrome; ORW DISEASE; Osler Weber Rendu syndrome; OSLER-RENDU-WEBER DISEASE. Identifiers: Orphanet 774, MedGen C0039445, MONDO:0019180. Disease mechanism: loss of function.
Cardiovascular phenotype. Identifiers: MedGen CN230736.
Telangiectasia, hereditary hemorrhagic, type 1 (HHT1). Also called: Osler Weber Rendu syndrome type 1; ENG-Related Hereditary Hemorrhagic Telangiectasia. Identifiers: Orphanet 774, MedGen C4551861, MONDO:0008535, OMIM 187300. Disease mechanism: loss of function.

Submissions (5):

Labcorp Genetics (formerly Invitae), Labcorp
Classification: Pathogenic for Hereditary hemorrhagic telangiectasia. Last evaluated: 2025-12-03. Review status: criteria provided, single submitter. Criteria: Invitae Variant Classification Sherloc (09022015). Collection method: clinical testing. Allele origin: germline.
Comment: This sequence change creates a premature translational stop signal (p.Glu505*) in the ENG gene. It is expected to result in an absent or disrupted protein product. Loss-of-function variants in ENG are known to be pathogenic (PMID: 15879500). This variant is not present in population databases (gnomAD no frequency). This premature translational stop signal has been observed in individual(s) with hereditary hemorrhagic telangiectasia (PMID: 16429404, 32573726). ClinVar contains an entry for this variant (Variation ID: 982467). Algorithms developed to predict the effect of sequence changes on RNA splicing suggest that this variant may disrupt the consensus splice site. For these reasons, this variant has been classified as Pathogenic.

NIHR Bioresource Rare Diseases, University of Cambridge
Classification: Pathogenic for Telangiectasia, hereditary hemorrhagic, type 1. Last evaluated: 2018-01-01. Review status: criteria provided, single submitter. Criteria: ACMG Guidelines, 2015. Collection method: research. Allele origin: unknown. Affected: yes. Observed: 1 variant allele.
Comment: PVS1+PM2+PP4

Blueprint Genetics
Classification: Likely pathogenic for ENG-related disorders. Last evaluated: 2017-11-09. Review status: criteria provided, single submitter. Criteria: ACMG Guidelines, 2015. Collection method: clinical testing. Allele origin: germline. Affected: yes. Observed: 1 variant allele.

Ambry Genetics
Classification: Pathogenic for Cardiovascular phenotype. Last evaluated: 2015-04-08. Review status: criteria provided, single submitter. Criteria: Ambry Variant Classification Scheme 2023. Collection method: clinical testing. Allele origin: germline.
Comment: The p.E505* pathogenic mutation (also known as c.1513G>T) located in coding exon 12 of the ENG gene, results from a G to T substitution at nucleotide position 1513. This changes the amino acid from a glutamic acid to a stop codon within coding exon 12. Since premature stop codons are typically deleterious in nature, this alteration is interpreted as a disease-causing mutation (ACMG Recommendations for Standards for Interpretation and Reporting of Sequence Variations. Revision 2007. Genet Med. 2008;10:294).

deCODE genetics, Amgen
Classification: Likely pathogenic for Telangiectasia, hereditary hemorrhagic, type 1. Last evaluated: 2023-07-21. Review status: no assertion criteria provided. Collection method: research. Allele origin: germline. Affected: yes. Observed: 1 variant allele. Not counted in ClinVar's aggregate classification.
Comment: The variant NM_001114753.3:c.1513G>T (chr9:127818293) in ENG was detected in 1 heterozygote out of 58K WGS Icelanders (MAF= 0,001%). This variant has been reported in ClinVar previously as pathogenic. Based on ACMG criteria (PVS1, PM2) this variant classifies as likely pathogenic.

Literature cited by the submitters: PubMed 15879500 (cited by Labcorp Genetics (formerly Invitae), Labcorp); PubMed 16429404 (cited by Labcorp Genetics (formerly Invitae), Labcorp); PubMed 32573726 (cited by Labcorp Genetics (formerly Invitae), Labcorp and NIHR Bioresource Rare Diseases, University of Cambridge).

NM_001114753.3(ENG):c.1513G>T (p.Glu505Ter)

Genes: ENG (endoglin; minus strand), LOC102723566 (uncharacterized LOC102723566; plus strand). Cytogenetic location: 9q34.11.
Variant type: single nucleotide variant.
Coding change: c.1513G>T on transcript NM_001114753.3 (MANE Select); coding-DNA position 1513, G replaced by T.
Protein change: p.Glu505Ter; replaces glutamic acid 505 with a stop codon.
Molecular consequence: nonsense.
Genome position (GRCh38, 1-based): chr9:127,818,293, C>A on the plus strand (G>T on the coding strand, the complement: ENG is on the minus strand). VCF-style: chr9-127818293-C-A. GRCh37 (hg19) VCF-style: chr9-130580572-C-A.
Other names: c.1513G>T, p.Glu505Ter (NM_000118.4); c.967G>T, p.Glu323Ter (NM_001278138.2); short protein forms E323*, E505*.
Identifiers: ClinVar variation 982467 (VCV000982467.23), dbSNP rs1830383454, ClinGen allele CA374975767.